The following is an entry in ClinVar:

NM_000587.4(C7):c.158C>T (p.Ala53Val)

Gene: C7 (complement C7; plus strand). Cytogenetic location: 5p13.1.
Variant type: single nucleotide variant.
Coding change: c.158C>T on transcript NM_000587.4 (MANE Select); coding-DNA position 158, C replaced by T.
Protein change: p.Ala53Val; replaces alanine 53 with valine.
Molecular consequence: missense variant.
Genome position (GRCh38, 1-based): chr5:40,934,344, C>T. VCF-style: chr5-40934344-C-T. GRCh37 (hg19) VCF-style: chr5-40934446-C-T.
Other names: c.158C>T (NM_000587.2); short protein forms A53V.
Identifiers: ClinVar variation 1474830 (VCV001474830.9), dbSNP rs572296590, ClinGen allele CA117240892.
Genomic context (GRCh38, chr5:40,934,344, plus strand): 5'-AAACAAATAAACAAACAAACCACTGCCTGCTTTGTGTTTAGACTCGCAGGCGGTCAGTTG[C>T]TGTGTATGGGCAGTATGGAGGCCAGCCTTGTGTTGGAAATGCTTTTGAAACACAGTCCTG-3'
Protein context (NP_000578.2, residues 43-63): TKTQTRRRSV[Ala53Val]VYGQYGGQPC

ClinVar aggregate classification (germline): Uncertain significance. Review status: criteria provided, multiple submitters, no conflicts (2 of 4 stars). 2 submissions from 2 submitters: Uncertain significance (2). Last evaluated 2025-10-14.

Conditions:
Inborn genetic diseases. Identifiers: MedGen C0950123, MeSH D030342.

Allele frequency attached by ClinVar (database versions not stated): gnomAD exomes below 0.00001 and 0.00001; gnomAD 0.00005; TOPMed 0.00007; 1000 Genomes Project 30x 0.00016; 1000 Genomes Project 0.00020.
gnomAD v4.1: 13 of 1,604,938 alleles (0.00081%); highest among the groups gnomAD compares: African/African-American, 0.016%; no homozygotes.

Submissions (2):

Ambry Genetics
Classification: Uncertain significance for Inborn genetic diseases. Last evaluated: 2025-10-14. Review status: criteria provided, single submitter. Criteria: Ambry Variant Classification Scheme 2023. Collection method: clinical testing. Allele origin: germline.

Labcorp Genetics (formerly Invitae), Labcorp
Classification: Uncertain significance. Last evaluated: 2022-05-12. Review status: criteria provided, single submitter. Criteria: Invitae Variant Classification Sherloc (09022015). Collection method: clinical testing. Allele origin: germline.
Comment: This sequence change replaces alanine, which is neutral and non-polar, with valine, which is neutral and non-polar, at codon 53 of the C7 protein (p.Ala53Val). This variant is present in population databases (rs572296590, gnomAD 0.008%). In summary, the available evidence is currently insufficient to determine the role of this variant in disease. Therefore, it has been classified as a Variant of Uncertain Significance. Algorithms developed to predict the effect of missense changes on protein structure and function are either unavailable or do not agree on the potential impact of this missense change (SIFT: "Deleterious"; PolyPhen-2: "Benign"; Align-GVGD: "Class C0"). This variant has not been reported in the literature in individuals affected with C7-related conditions.